The following is an entry in ClinVar:

NM_001127222.2(CACNA1A):c.3175C>A (p.Pro1059Thr)

Gene: CACNA1A (calcium voltage-gated channel subunit alpha1 A; minus strand). Cytogenetic location: 19p13.13.
Variant type: single nucleotide variant.
Coding change: c.3175C>A on transcript NM_001127222.2 (MANE Select); coding-DNA position 3175, C replaced by A.
Protein change: p.Pro1059Thr; replaces proline 1059 with threonine.
Molecular consequence: missense variant.
Genome position (GRCh38, 1-based): chr19:13,286,881, G>T on the plus strand (C>A on the coding strand, the complement: CACNA1A is on the minus strand). VCF-style: chr19-13286881-G-T. GRCh37 (hg19) VCF-style: chr19-13397695-G-T.
Other names: c.3187C>A, p.Pro1063Thr (NM_000068.4, NM_023035.3); c.3178C>A, p.Pro1060Thr (NM_001127221.2, NM_001174080.2); short protein forms P1060T, P1063T, P1059T.
Identifiers: ClinVar variation 2050656 (VCV002050656.4), dbSNP rs775079932, ClinGen allele CA404341912.
Genomic context (GRCh38, chr19:13,286,881, plus strand): 5'-CCGACTCCGCGGTGGCCAGCTTGTTGTTCTTCATGTTGTCAATATCCTCTGCCAGGGGTG[G>T]GTCTTGGCGGCCCAGGTCCTGCTGGATTGGCCGGGTGGTTGACAGGTTGGGGCCCGACAC-3'
Protein context (NP_001120694.1, residues 1049-1069): PIQQDLGRQD[Pro1059Thr]PLAEDIDNMK

ClinVar aggregate classification (germline): Uncertain significance (1 of 4 stars; one submission).

Conditions:
Developmental and epileptic encephalopathy, 42 (DEE42A). Also called: DEVELOPMENTAL AND EPILEPTIC ENCEPHALOPATHY 42A; EPILEPTIC ENCEPHALOPATHY, EARLY INFANTILE, 42A; Epileptic encephalopathy, early infantile, 42. Identifiers: MedGen C4310716, MONDO:0014917, OMIM 617106.
Episodic ataxia type 2 (EA2). Also called: ACETAZOLAMIDE-RESPONSIVE HEREDITARY PAROXYSMAL CEREBELLAR ATAXIA; ATAXIA, EPISODIC, WITH NYSTAGMUS; ATAXIA, FAMILIAL PAROXYSMAL; CEREBELLAR ATAXIA, PAROXYSMAL, ACETAZOLAMIDE-RESPONSIVE; CEREBELLOPATHY, HEREDITARY PAROXYSMAL; EPISODIC ATAXIA, NYSTAGMUS-ASSOCIATED. Identifiers: Orphanet 97, MedGen C1720416, MONDO:0007163, OMIM 108500.

Submission:

Labcorp Genetics (formerly Invitae), Labcorp
Classification: Uncertain significance for Developmental and epileptic encephalopathy, 42; Episodic ataxia type 2. Last evaluated: 2022-05-26. Review status: criteria provided, single submitter. Criteria: Invitae Variant Classification Sherloc (09022015). Collection method: clinical testing. Allele origin: germline.
Comment: This sequence change replaces proline, which is neutral and non-polar, with threonine, which is neutral and polar, at codon 1060 of the CACNA1A protein (p.Pro1060Thr). This variant is not present in population databases (gnomAD no frequency). This variant has not been reported in the literature in individuals affected with CACNA1A-related conditions. Advanced modeling of protein sequence and biophysical properties (such as structural, functional, and spatial information, amino acid conservation, physicochemical variation, residue mobility, and thermodynamic stability) performed at Invitae indicates that this missense variant is not expected to disrupt CACNA1A protein function. In summary, the available evidence is currently insufficient to determine the role of this variant in disease. Therefore, it has been classified as a Variant of Uncertain Significance.